The following is an entry in ClinVar:

ClinVar aggregate classification (germline): Benign/Likely benign. Review status: criteria provided, multiple submitters, no conflicts (2 of 4 stars). 4 submissions from 4 submitters: Benign (3); Likely benign (1). Last evaluated 2026-02-04.

Conditions:
Van der Woude syndrome 2 (VWS2). Identifiers: Orphanet 888, MedGen C1847604, MONDO:0011712, OMIM 606713.

Allele frequency attached by ClinVar (database versions not stated): 1000 Genomes Project 30x 0.00890; 1000 Genomes Project 0.00978; TOPMed 0.01938; gnomAD 0.02239 and 0.02296; ExAC 0.02278; gnomAD exomes 0.02284 and 0.03144; ESP Exome Variant Server 0.02307.
gnomAD v4.1: 49,095 of 1,614,014 alleles (3%); highest among the groups gnomAD compares: Non-Finnish European, 3.6%; 967 homozygotes.

Submissions (4):

Labcorp Genetics (formerly Invitae), Labcorp
Classification: Benign for Van der Woude syndrome 2. Last evaluated: 2026-02-04. Review status: criteria provided, single submitter. Criteria: Invitae Variant Classification Sherloc (09022015). Collection method: clinical testing. Allele origin: germline.

Blueprint Genetics
Classification: Likely benign. Last evaluated: 2024-11-25. Review status: criteria provided, single submitter. Criteria: ACMG Guidelines, 2015. Collection method: clinical testing. Allele origin: germline.

GeneDx
Classification: Benign. Last evaluated: 2021-05-04. Review status: criteria provided, single submitter. Criteria: GeneDx Variant Classification Process June 2021. Collection method: clinical testing. Allele origin: germline. Affected: yes.
Comment: This variant is associated with the following publications: (PMID: 27018475, 27018472, 28886269)

Breakthrough Genomics
Classification: Benign. Review status: criteria provided, single submitter. Criteria: ACMG Guidelines, 2015. Collection method: not provided. Allele origin: germline. Inheritance: Autosomal dominant inheritance. Affected: yes.

NM_198173.3(GRHL3):c.1361C>T (p.Thr454Met)

Gene: GRHL3 (grainyhead like transcription factor 3; plus strand). Cytogenetic location: 1p36.11.
Variant type: single nucleotide variant.
Coding change: c.1361C>T on transcript NM_198173.3 (MANE Select); coding-DNA position 1361, C replaced by T.
Protein change: p.Thr454Met; replaces threonine 454 with methionine.
Molecular consequence: missense variant.
Genome position (GRCh38, 1-based): chr1:24,342,967, C>T. VCF-style: chr1-24342967-C-T. GRCh37 (hg19) VCF-style: chr1-24669457-C-T.
Other names: c.1223C>T, p.Thr408Met (NM_001195010.2); c.1376C>T, p.Thr459Met (NM_021180.4); c.1361C>T, p.Thr454Met (NM_198174.3); short protein forms T408M, T454M, T459M.
Identifiers: ClinVar variation 465245 (VCV000465245.14), dbSNP rs41268753, ClinGen allele CA690189.
Genomic context (GRCh38, chr1:24,342,967, plus strand): 5'-TGCTGTCGGGCTTCAGGGGCAATGAGACGACCTACCTTCGGCCAGAGACTGACCTGGAGA[C>T]GCCACCCGTGCTGTTCATCCCCAATGTGCACTTCTCCAGCCTGCAGCGCTCTGGAGGGGT-3'
Protein context (NP_937816.1, residues 444-464): TYLRPETDLE[Thr454Met]PPVLFIPNVH